The following is an entry in ClinVar:

ClinVar aggregate classification (germline): Pathogenic (1 of 4 stars; one submission).

Conditions:
Retinoblastoma (RB1). Also called: RETINOBLASTOMA, SOMATIC. Identifiers: Orphanet 790, MedGen C0035335, MeSH D012175, MONDO:0008380, OMIM 180200, HP:0009919. Disease mechanism: loss of function. Inheritance: Both sporadic and heritable forms are tested..

Submission:

Genetic Diagnostic Laboratory, University of Pennsylvania School of Medicine
Classification: Pathogenic for Retinoblastoma. Last evaluated: 2024-05-20. Review status: criteria provided, single submitter. Criteria: ACMG Guidelines, 2015. Collection method: clinical testing. Allele origin: germline. Affected: yes. Observed: 1 variant allele.
Comment: Case and Pedigree Information: BILATERAL CASES:1, UNILATERAL CASES:0, TOTAL CASES:1, PEDIGREES:1. ACMG Codes Applied:PVS1, PM2

NM_000321.3(RB1):c.2426dup (p.Lys810fs)

Gene: RB1 (RB transcriptional corepressor 1; plus strand). Cytogenetic location: 13q14.2.
Variant type: Duplication.
Coding change: c.2426dup on transcript NM_000321.3 (MANE Select); coding-DNA position 2426, one base duplicated (T; older notation c.2426dupT).
Protein change: p.Lys810fs; shifts the reading frame from lysine 810.
Molecular consequence: frameshift variant.
Genome position (GRCh38, 1-based): chr13:48,465,305, T duplicated. VCF-style (leftmost placement, unchanged base first): chr13-48465304-C-CT. GRCh37 (hg19) VCF-style: chr13-49039440-C-CT.
Other names: c.2426dup, p.Lys810fs (NM_001407165.1); short protein forms K810fs.
Identifiers: ClinVar variation 3237093 (VCV003237093.1), dbSNP rs2542375992.
Genomic context (GRCh38, chr13:48,465,304, plus strand): 5'-CCTTACAAGTTTCCTAGTTCACCCTTACGGATTCCTGGAGGGAACATCTATATTTCACCC[C>CT]TGAAGAGTCCATATAAAATTTCAGAAGGTCTGCCAACACCAACAAAAATGACTCCAAGAT-3'